The following is an entry in ClinVar:

ClinVar aggregate classification (germline): Benign/Likely benign. Review status: criteria provided, multiple submitters, no conflicts (2 of 4 stars). 3 submissions from 3 submitters: Benign (1); Likely benign (2). Last evaluated 2025-02-16.

Conditions:
Hereditary cancer-predisposing syndrome. Also called: Neoplastic Syndromes, Hereditary; Tumor predisposition; Hereditary Cancer Syndrome; Hereditary neoplastic syndrome. Identifiers: Orphanet 140162, MedGen C0027672, MeSH D009386, MONDO:0015356.
Prostate cancer, hereditary, 9 (HPC9). Identifiers: Orphanet 1331, MedGen C1970250, MONDO:0012597, OMIM 610997.

Submissions (3):

Labcorp Genetics (formerly Invitae), Labcorp
Classification: Likely benign. Last evaluated: 2025-02-16. Review status: criteria provided, single submitter. Criteria: Invitae Variant Classification Sherloc (09022015). Collection method: clinical testing. Allele origin: germline.

Myriad Genetics, Inc.
Classification: Benign for Prostate cancer, hereditary, 9. Last evaluated: 2024-10-30. Review status: criteria provided, single submitter. Criteria: Myriad Autosomal Dominant, Autosomal Recessive and X-Linked Classification Criteria (2023). Collection method: clinical testing. Allele origin: unknown.
Comment: This variant is considered benign. This variant is a silent/synonymous amino acid change and it is not expected to impact splicing.

Ambry Genetics
Classification: Likely benign for Hereditary cancer-predisposing syndrome. Last evaluated: 2022-07-21. Review status: criteria provided, single submitter. Criteria: Ambry Variant Classification Scheme 2023. Collection method: clinical testing. Allele origin: germline.

NM_006361.6(HOXB13):c.645C>A (p.Arg215=)

Gene: HOXB13 (homeobox B13; minus strand). Cytogenetic location: 17q21.32.
Variant type: single nucleotide variant.
Coding change: c.645C>A on transcript NM_006361.6 (MANE Select); coding-DNA position 645, C replaced by A.
Protein change: p.Arg215=; no amino-acid change (arginine 215 retained).
Molecular consequence: synonymous variant.
Genome position (GRCh38, 1-based): chr17:48,727,000, G>T on the plus strand (C>A on the coding strand, the complement: HOXB13 is on the minus strand). VCF-style: chr17-48727000-G-T. GRCh37 (hg19) VCF-style: chr17-46804362-G-T.
Identifiers: ClinVar variation 1753638 (VCV001753638.8), dbSNP rs931880786, ClinGen allele CA500501154.
Genomic context (GRCh38, chr17:48,727,000, plus strand): 5'-ATACTCCCGCTCCAGCTCCCGCAACTGCCCCTTGCTGTACGGAATGCGTTTCTTGCGGCC[G>T]CGACGAAAGGCGCAGGCGTCAGGAGGGTGCTGCCCGCTGGAGTCTGCGCGGCGTGAAAGG-3'
Protein context (NP_006352.2, residues 205-225): QHPPDACAFR[Arg215=]GRKKRIPYSK